The following is an entry in ClinVar:

ClinVar aggregate classification (germline): Uncertain significance (1 of 4 stars; one submission).

Submission:

Labcorp Genetics (formerly Invitae), Labcorp
Classification: Uncertain significance. Last evaluated: 2020-03-05. Review status: criteria provided, single submitter. Criteria: Invitae Variant Classification Sherloc (09022015). Collection method: clinical testing. Allele origin: germline.
Comment: This variant results in a copy number gain of the genomic region encompassing the full coding sequence of the CYP4V2 gene. The boundaries of this event are unknown as they extend beyond the assayed region for this gene and therefore may encompass additional genes. As the precise location of this event is unknown, it may be in tandem or it may be located elsewhere in the genome. This variant has been observed in individual(s) with retinitis pigmentosa (Invitae). In summary, the available evidence is currently insufficient to determine the role of this variant in disease. Therefore, it has been classified as a Variant of Uncertain Significance.

NC_000004.11:g.(?_187112978)_(187131795_?)dup

Gene: CYP4V2 (cytochrome P450 family 4 subfamily V member 2; plus strand). Cytogenetic location: 4q35.2.
Variant type: Duplication.
Identifiers: ClinVar variation 1054570 (VCV001054570.1).